The following is an entry in ClinVar:

ClinVar aggregate classification (germline): Likely benign. Review status: criteria provided, multiple submitters, no conflicts (2 of 4 stars). 4 submissions from 4 submitters: Likely benign (4). Last evaluated 2026-03-27.

Conditions:
TNNI3-related disorder. Also called: TNNI3-related condition; TNNI3-related disorders.
Hypertrophic cardiomyopathy. Also called: HYPERTROPHIC MYOCARDIOPATHY. Identifiers: Orphanet 217569, MedGen C0007194, MeSH D002312, MONDO:0005045, HP:0001639.

Allele frequency attached by ClinVar (database versions not stated): ExAC below 0.00001; gnomAD 0.00006 and 0.00007; TOPMed 0.00006.
gnomAD v4.1: 18 of 1,561,168 alleles (0.0012%); highest among the groups gnomAD compares: African/African-American, 0.019%; no homozygotes.

Submissions (4):

Molecular Diagnostic Laboratory for Inherited Cardiovascular Disease, Montreal Heart Institute
Classification: Likely benign. Last evaluated: 2026-03-27. Review status: criteria provided, single submitter. Criteria: ACMG Guidelines, 2015. Collection method: clinical testing. Allele origin: germline. Affected: no.

Labcorp Genetics (formerly Invitae), Labcorp
Classification: Likely benign for Hypertrophic cardiomyopathy. Last evaluated: 2026-01-12. Review status: criteria provided, single submitter. Criteria: Invitae Variant Classification Sherloc (09022015). Collection method: clinical testing. Allele origin: germline.

PreventionGenetics, part of Exact Sciences
Classification: Likely benign for TNNI3-related condition. Last evaluated: 2025-08-12. Review status: criteria provided, single submitter. Criteria: ACMG Guidelines, 2015. Collection method: clinical testing. Allele origin: germline.
Comment: This variant is classified as likely benign based on ACMG/AMP sequence variant interpretation guidelines (Richards et al. 2015 PMID: 25741868, with internal and published modifications).

Blueprint Genetics
Classification: Likely benign. Last evaluated: 2020-02-13. Review status: criteria provided, single submitter. Criteria: ACMG Guidelines, 2015. Collection method: clinical testing. Allele origin: germline.

NM_000363.5(TNNI3):c.150+9G>T

Gene: TNNI3 (troponin I3, cardiac type; minus strand). Cytogenetic location: 19q13.42.
Variant type: single nucleotide variant.
Coding change: c.150+9G>T on transcript NM_000363.5 (MANE Select); 9 bases into the intron after coding-DNA position 150, G replaced by T.
Molecular consequence: intron variant.
Genome position (GRCh38, 1-based): chr19:55,156,594, C>A on the plus strand (G>T on the coding strand, the complement: TNNI3 is on the minus strand). VCF-style: chr19-55156594-C-A. GRCh37 (hg19) VCF-style: chr19-55667962-C-A.
Identifiers: ClinVar variation 699165 (VCV000699165.13), dbSNP rs750675608, ClinGen allele CA050389.